The following is an entry in ClinVar:

ClinVar aggregate classification (germline): Uncertain significance (1 of 4 stars; one submission).

Conditions:
Inborn genetic diseases. Identifiers: MedGen C0950123, MeSH D030342.

Submission:

Ambry Genetics
Classification: Uncertain significance for Inborn genetic diseases. Last evaluated: 2026-06-02. Review status: criteria provided, single submitter. Criteria: Ambry Variant Classification Scheme 2023. Collection method: clinical testing. Allele origin: germline.
Comment: The p.P887H variant (also known as c.2660C>A), located in coding exon 28 of the RTEL1 gene, results from a C to A substitution at nucleotide position 2660. The proline at codon 887 is replaced by histidine, an amino acid with similar properties. This amino acid position is conserved. In addition, this alteration is predicted to be tolerated by in silico analysis. Based on the available evidence, the clinical significance of this variant remains unclear.

NM_001283009.2(RTEL1):c.2660C>A (p.Pro887His)

Genes: RTEL1 (regulator of telomere elongation helicase 1; plus strand), RTEL1-TNFRSF6B (RTEL1-TNFRSF6B readthrough (NMD candidate); plus strand). Cytogenetic location: 20q13.33.
Variant type: single nucleotide variant.
Coding change: c.2660C>A on transcript NM_001283009.2 (MANE Select); coding-DNA position 2660, C replaced by A.
Protein change: p.Pro887His; replaces proline 887 with histidine.
Molecular consequence: missense variant. On other transcripts: non-coding transcript variant (1).
Genome position (GRCh38, 1-based): chr20:63,692,812, C>A. VCF-style: chr20-63692812-C-A. GRCh37 (hg19) VCF-style: chr20-62324165-C-A.
Other names: c.1991C>A, p.Pro664His (NM_001283010.1); c.2660C>A, p.Pro887His (NM_016434.4); c.2732C>A, p.Pro911His (NM_032957.5); short protein forms P664H, P887H, P911H.
Identifiers: ClinVar variation 4863613 (VCV004863613.1).
Genomic context (GRCh38, chr20:63,692,812, plus strand): 5'-GGGACCAGATGATGAGGCTGGCCCTGATGGAGCCTCGGGCCTGTGTCCTGCAGGAGGAGC[C>A]CGTGGCTGGTGCACAGACGGACAGGGCCAAGCTCTTCATGGTGGCCGTGAAGCAGGAGTT-3'
Protein context (NP_001269938.1, residues 877-897): KIRLVSHPEE[Pro887His]VAGAQTDRAK